The following is an entry in ClinVar:

ClinVar aggregate classification (germline): Benign/Likely benign. Review status: criteria provided, multiple submitters, no conflicts (2 of 4 stars). 4 submissions from 4 submitters: Benign (1); Likely benign (2). 1 of the submissions does not count toward it. Last evaluated 2025-09-17.

Conditions:
SON-related disorder. Also called: SON-related condition.

Allele frequency attached by ClinVar (database versions not stated): ESP Exome Variant Server 0.00008; gnomAD 0.00023 and 0.00027; gnomAD exomes 0.00030 and 0.00046; TOPMed 0.00031; ExAC 0.00044; 1000 Genomes Project 30x 0.00094; 1000 Genomes Project 0.00100.

Submissions (4):

Labcorp Genetics (formerly Invitae), Labcorp
Classification: Benign. Last evaluated: 2025-09-17. Review status: criteria provided, single submitter. Criteria: Invitae Variant Classification Sherloc (09022015). Collection method: clinical testing. Allele origin: germline.

Laboratory of Genetics, Children's Clinical University Hospital Latvia
Classification: Likely benign. Last evaluated: 2025-02-16. Review status: criteria provided, single submitter. Criteria: ACMG Guidelines, 2015. Collection method: clinical testing. Allele origin: germline. Affected: yes.

CeGaT Center for Human Genetics Tuebingen
Classification: Likely benign. Last evaluated: 2024-09-01. Review status: criteria provided, single submitter. Criteria: CeGaT Center For Human Genetics Tuebingen Variant Classification Criteria Version 2. Collection method: clinical testing. Allele origin: germline. Affected: yes. Observed: 1 variant allele.
Comment: SON: BS1

PreventionGenetics, part of Exact Sciences
Classification: Benign for SON-related condition. Last evaluated: 2023-12-29. Review status: no assertion criteria provided. Collection method: clinical testing. Allele origin: germline. Not counted in ClinVar's aggregate classification.
Comment: This variant is classified as benign based on ACMG/AMP sequence variant interpretation guidelines (Richards et al. 2015 PMID: 25741868, with internal and published modifications).

NM_138927.4(SON):c.3499A>G (p.Met1167Val)

Gene: SON (SON DNA and RNA binding protein; plus strand). Cytogenetic location: 21q22.11.
Variant type: single nucleotide variant.
Coding change: c.3499A>G on transcript NM_138927.4 (MANE Select); coding-DNA position 3499, A replaced by G.
Protein change: p.Met1167Val; replaces methionine 1167 with valine.
Molecular consequence: missense variant. On other transcripts: non-coding transcript variant (1), intron variant (1).
Genome position (GRCh38, 1-based): chr21:33,552,730, A>G. VCF-style: chr21-33552730-A-G. GRCh37 (hg19) VCF-style: chr21-34925036-A-G.
Other names: c.3499A>G, p.Met1167Val (NM_001291411.2, NM_032195.3); c.245-4426A>G (NM_001291412.3); c.3499A>G (NM_138927.2); short protein forms M1167V.
Identifiers: ClinVar variation 735042 (VCV000735042.26), dbSNP rs201837873, ClinGen allele CA10009303.